The following is an entry in ClinVar:

NM_001267550.2(TTN):c.25064C>A (p.Ala8355Glu)

Gene: TTN (titin; minus strand). Cytogenetic location: 2q31.2.
Variant type: single nucleotide variant.
Coding change: c.25064C>A on transcript NM_001267550.2 (MANE Select); coding-DNA position 25064, C replaced by A.
Protein change: p.Ala8355Glu; replaces alanine 8355 with glutamic acid.
Molecular consequence: missense variant. On other transcripts: intron variant (3).
Genome position (GRCh38, 1-based): chr2:178,717,810, G>T on the plus strand (C>A on the coding strand, the complement: TTN is on the minus strand). VCF-style: chr2-178717810-G-T. GRCh37 (hg19) VCF-style: chr2-179582537-G-T.
Other names: p.A8038E:GCG>GAG; c.21332C>A, p.Ala7111Glu (NM_133378.4); c.13282+20272C>A (NM_003319.4); c.13858+20272C>A (NM_133437.4); c.13657+20272C>A (NM_133432.3); c.24113C>A, p.Ala8038Glu (NM_001256850.1); short protein forms A8355E, A7111E, A8038E.
Identifiers: ClinVar variation 46750 (VCV000046750.37), dbSNP rs2627043, ClinGen allele CA282917.

ClinVar aggregate classification (germline): Benign/Likely benign. Review status: criteria provided, multiple submitters, no conflicts (2 of 4 stars). 24 submissions from 17 submitters: Benign (20); Likely benign (2). 2 of the submissions do not count toward it. Last evaluated 2026-02-04.

Conditions:
Dilated cardiomyopathy 1G (CMD1G). Identifiers: Orphanet 154, MedGen C1858763, MONDO:0011400, OMIM 604145.
Autosomal recessive limb-girdle muscular dystrophy type 2J (LGMDR10). Also called: MUSCULAR DYSTROPHY, LIMB-GIRDLE, AUTOSOMAL RECESSIVE 10; Limb-girdle muscular dystrophy, type 2J. Identifiers: Orphanet 140922, MedGen C1837342, MONDO:0012127, OMIM 608807.
Cardiovascular phenotype. Identifiers: MedGen CN230736.
Early-onset myopathy with fatal cardiomyopathy (CMYO5). Also called: CONGENITAL MYOPATHY 5 WITH CARDIOMYOPATHY; Salih Myopathy. Identifiers: Orphanet 289377, MedGen C2673677, MONDO:0012714, OMIM 611705. Disease mechanism: loss of function.
Myopathy, myofibrillar, 9, with early respiratory failure (MFM9). Also called: Myopathy, distal, with early respiratory failure, autosomal dominant; Hereditary myopathy with early respiratory failure; MYOPATHY, PROXIMAL, WITH EARLY RESPIRATORY MUSCLE INVOLVEMENT; EDSTROM MYOPATHY. Identifiers: Orphanet 178464, Orphanet 34521, MedGen C1863599, MONDO:0011362, OMIM 603689.
Tibial muscular dystrophy (TMD). Also called: Udd Distal Myopathy – Tibial Muscular Dystrophy; Tibial muscular dystrophy, tardive; UDD MYOPATHY. Identifiers: Orphanet 609, MedGen C1838244, MONDO:0010870, OMIM 600334.

Allele frequency attached by ClinVar (database versions not stated): ExAC 0.30877; 1000 Genomes Project 0.44489; gnomAD exomes 0.30836; TOPMed 0.32336; ESP Exome Variant Server 0.26581; gnomAD 0.29094; 1000 Genomes Project 30x 0.44019.
gnomAD v4.1: 395,106 of 1,600,868 alleles (25%); highest among the groups gnomAD compares: East Asian, 65%; 57,541 homozygotes.

Submissions (24):

Labcorp Genetics (formerly Invitae), Labcorp
Classification: Benign for Dilated cardiomyopathy 1G; Autosomal recessive limb-girdle muscular dystrophy type 2J. Last evaluated: 2026-02-04. Review status: criteria provided, single submitter. Criteria: Invitae Variant Classification Sherloc (09022015). Collection method: clinical testing. Allele origin: germline.

Molecular Diagnostic Laboratory for Inherited Cardiovascular Disease, Montreal Heart Institute
Classification: Benign. Last evaluated: 2025-04-09. Review status: criteria provided, single submitter. Criteria: ACMG Guidelines, 2015. Collection method: clinical testing. Allele origin: germline. Affected: no.

Genome-Nilou Lab
Classification: Benign for Autosomal recessive limb-girdle muscular dystrophy type 2J. Last evaluated: 2021-09-10. Review status: criteria provided, single submitter. Criteria: ACMG Guidelines, 2015. Collection method: clinical testing. Allele origin: germline. Affected: no.

Genome-Nilou Lab
Classification: Benign for Myopathy, myofibrillar, 9, with early respiratory failure. Last evaluated: 2021-09-10. Review status: criteria provided, single submitter. Criteria: ACMG Guidelines, 2015. Collection method: clinical testing. Allele origin: germline. Affected: no.

Genome-Nilou Lab
Classification: Benign for Early-onset myopathy with fatal cardiomyopathy. Last evaluated: 2021-09-10. Review status: criteria provided, single submitter. Criteria: ACMG Guidelines, 2015. Collection method: clinical testing. Allele origin: germline. Affected: no.

Genome-Nilou Lab
Classification: Benign for Tibial muscular dystrophy. Last evaluated: 2021-09-10. Review status: criteria provided, single submitter. Criteria: ACMG Guidelines, 2015. Collection method: clinical testing. Allele origin: germline. Affected: no.

Women's Health and Genetics/Laboratory Corporation of America, LabCorp
Classification: Likely benign. Last evaluated: 2020-08-16. Review status: criteria provided, single submitter. Criteria: LabCorp Variant Classification Summary - May 2015. Collection method: clinical testing. Allele origin: germline.

Athena Diagnostics
Classification: Benign. Last evaluated: 2018-09-24. Review status: criteria provided, single submitter. Criteria: Athena Diagnostics Criteria. Collection method: clinical testing. Allele origin: germline.

Illumina Laboratory Services, Illumina
Classification: Benign for Dilated cardiomyopathy 1G. Last evaluated: 2018-01-12. Review status: criteria provided, single submitter. Criteria: ICSL Variant Classification Criteria 13 December 2019. Collection method: clinical testing. Allele origin: germline.
Comment: This variant was observed in the ICSL laboratory as part of a predisposition screen in an ostensibly healthy population. It had not been previously curated by ICSL or reported in the Human Gene Mutation Database (HGMD: prior to June 1st, 2018), and was therefore a candidate for classification through an automated scoring system. Utilizing variant allele frequency, disease prevalence and penetrance estimates, and inheritance mode, an automated score was calculated to assess if this variant is too frequent to cause the disease. Based on the score and internal cut-off values, a variant classified as benign is not then subjected to further curation. The score for this variant resulted in a classification of benign for this disease.

Illumina Laboratory Services, Illumina
Classification: Benign for Early-onset myopathy with fatal cardiomyopathy. Last evaluated: 2018-01-12. Review status: criteria provided, single submitter. Criteria: ICSL Variant Classification Criteria 13 December 2019. Collection method: clinical testing. Allele origin: germline.
Comment: the same text as in the submission from Illumina Laboratory Services, Illumina above.

Illumina Laboratory Services, Illumina
Classification: Benign for Tibial muscular dystrophy. Last evaluated: 2018-01-12. Review status: criteria provided, single submitter. Criteria: ICSL Variant Classification Criteria 13 December 2019. Collection method: clinical testing. Allele origin: germline.
Comment: the same text as in the submission from Illumina Laboratory Services, Illumina above.

Illumina Laboratory Services, Illumina
Classification: Benign for Myopathy, myofibrillar, 9, with early respiratory failure. Last evaluated: 2018-01-12. Review status: criteria provided, single submitter. Criteria: ICSL Variant Classification Criteria 13 December 2019. Collection method: clinical testing. Allele origin: germline.
Comment: the same text as in the submission from Illumina Laboratory Services, Illumina above.

Illumina Laboratory Services, Illumina
Classification: Benign for Autosomal recessive limb-girdle muscular dystrophy type 2J. Last evaluated: 2018-01-12. Review status: criteria provided, single submitter. Criteria: ICSL Variant Classification Criteria 13 December 2019. Collection method: clinical testing. Allele origin: germline.
Comment: the same text as in the submission from Illumina Laboratory Services, Illumina above.

Mayo Clinic Laboratories, Mayo Clinic
Classification: Benign. Last evaluated: 2017-08-24. Review status: criteria provided, single submitter. Criteria: ACMG Guidelines, 2015. Collection method: clinical testing. Allele origin: germline. Observed: 1,082 variant alleles.

Genetic Services Laboratory, University of Chicago
Classification: Benign for AllHighlyPenetrant. Last evaluated: 2013-08-15. Review status: criteria provided, single submitter. Criteria: ACMG Guidelines, 2007. Collection method: clinical testing. Allele origin: germline.

Biesecker Lab/Clinical Genomics Section, National Institutes of Health
Classification: Benign. Last evaluated: 2013-06-24. Review status: criteria provided, single submitter. Criteria: Ng et al. (Circ Cardiovasc Genet. 2013). Collection method: research. Allele origin: unknown. Observed: 209 variant alleles. Study: ClinSeq.
Comment: The study set was not selected for affection status in relation to any cancer. Pathogenicity categories were based on literature curation. See Pubmed ID:23861362 for details.

Medical sequencing

Eurofins Ntd Llc (ga)
Classification: Benign. Last evaluated: 2013-05-29. Review status: criteria provided, single submitter. Criteria: EGL Classification Definitions 2015. Collection method: clinical testing. Allele origin: germline. Observed: 2 variant alleles, 2 heterozygotes.

Ambry Genetics
Classification: Benign for Cardiovascular phenotype. Last evaluated: 2013-01-14. Review status: criteria provided, single submitter. Criteria: Ambry Autosomal Dominant and X-Linked criteria (10/2015). Collection method: clinical testing. Allele origin: germline. Observed: 1 variant allele.

GeneDx
Classification: Benign. Last evaluated: 2012-10-31. Review status: criteria provided, single submitter. Criteria: GeneDx Variant Classification (06012015). Collection method: clinical testing. Allele origin: germline. Affected: yes.
Comment: This variant is considered likely benign or benign based on one or more of the following criteria: it is a conservative change, it occurs at a poorly conserved position in the protein, it is predicted to be benign by multiple in silico algorithms, and/or has population frequency not consistent with disease.

Laboratory for Molecular Medicine, Mass General Brigham Personalized Medicine
Classification: Benign. Last evaluated: 2011-09-27. Review status: criteria provided, single submitter. Criteria: LMM Criteria. Collection method: clinical testing. Allele origin: germline. Observed: 856 variant alleles.

Breakthrough Genomics
Classification: Likely benign. Review status: criteria provided, single submitter. Criteria: ACMG Guidelines, 2015. Collection method: not provided. Allele origin: germline. Inheritance: Autosomal recessive inheritance. Affected: yes.

PreventionGenetics, part of Exact Sciences
Classification: Benign. Review status: criteria provided, single submitter. Criteria: ACMG Guidelines, 2015. Collection method: clinical testing. Allele origin: germline.

Clinical Genetics, Academic Medical Center
Classification: Benign. Review status: no assertion criteria provided. Collection method: clinical testing. Allele origin: germline. Affected: yes. Study: VKGL Data-share Consensus. Not counted in ClinVar's aggregate classification.

Diagnostic Laboratory, Department of Genetics, University Medical Center Groningen
Classification: Benign. Review status: no assertion criteria provided. Collection method: clinical testing. Allele origin: germline. Affected: yes. Study: VKGL Data-share Consensus. Not counted in ClinVar's aggregate classification.